The following is an entry in ClinVar:

NM_138694.4(PKHD1):c.3656T>C (p.Ile1219Thr)

Gene: PKHD1 (PKHD1 ciliary IPT domain containing fibrocystin/polyductin; minus strand). Cytogenetic location: 6p12.2.
Variant type: single nucleotide variant.
Coding change: c.3656T>C on transcript NM_138694.4 (MANE Select); coding-DNA position 3656, T replaced by C.
Protein change: p.Ile1219Thr; replaces isoleucine 1219 with threonine.
Molecular consequence: missense variant.
Genome position (GRCh38, 1-based): chr6:52,026,154, A>G on the plus strand (T>C on the coding strand, the complement: PKHD1 is on the minus strand). VCF-style: chr6-52026154-A-G. GRCh37 (hg19) VCF-style: chr6-51890952-A-G.
Other names: c.3656T>C, p.Ile1219Thr (NM_170724.3); short protein forms I1219T.
Identifiers: ClinVar variation 2575651 (VCV002575651.2), dbSNP rs139127465, ClinGen allele CA3852866.

ClinVar aggregate classification (germline): Uncertain significance. Review status: criteria provided, multiple submitters, no conflicts (2 of 4 stars). 2 submissions from 2 submitters: Uncertain significance (2). Last evaluated 2025-03-18.

Conditions:
Autosomal recessive polycystic kidney disease (ARPKD). Also called: AR polycystic kidney disease. Identifiers: Orphanet 731, Orphanet 8378, MedGen C0085548, MeSH D017044, MONDO:0009889.

Allele frequency attached by ClinVar (database versions not stated): gnomAD exomes 0.00001; TOPMed 0.00002; ExAC 0.00003; gnomAD 0.00003; ESP Exome Variant Server 0.00008; 1000 Genomes Project 0.00020; 1000 Genomes Project 30x 0.00062.
gnomAD v4.1: 22 of 1,614,102 alleles (0.0014%); highest among the groups gnomAD compares: East Asian, 0.018%; no homozygotes.

Submissions (2):

Labcorp Genetics (formerly Invitae), Labcorp
Classification: Uncertain significance for Autosomal recessive polycystic kidney disease. Last evaluated: 2025-03-18. Review status: criteria provided, single submitter. Criteria: Invitae Variant Classification Sherloc (09022015). Collection method: clinical testing. Allele origin: germline.
Comment: This sequence change replaces isoleucine, which is neutral and non-polar, with threonine, which is neutral and polar, at codon 1219 of the PKHD1 protein (p.Ile1219Thr). This variant is present in population databases (rs139127465, gnomAD 0.03%). This missense change has been observed in individual(s) with PKHD1-related conditions (PMID: 34455394). ClinVar contains an entry for this variant (Variation ID: 2575651). Invitae Evidence Modeling of protein sequence and biophysical properties (such as structural, functional, and spatial information, amino acid conservation, physicochemical variation, residue mobility, and thermodynamic stability) indicates that this missense variant is not expected to disrupt PKHD1 protein function with a negative predictive value of 95%. In summary, the available evidence is currently insufficient to determine the role of this variant in disease. Therefore, it has been classified as a Variant of Uncertain Significance.

GeneDx
Classification: Uncertain significance. Last evaluated: 2023-02-13. Review status: criteria provided, single submitter. Criteria: GeneDx Variant Classification Process June 2021. Collection method: clinical testing. Allele origin: germline. Affected: yes.
Comment: Reported with a second variant (phase unknown) in a patient with biliary atresia in published literature (Lam et al., 2021); In silico analysis supports that this missense variant does not alter protein structure/function; This variant is associated with the following publications: (PMID: 34455394)

Literature cited by the submitters: PubMed 34455394 (cited by Labcorp Genetics (formerly Invitae), Labcorp).